The following continues an entry in ClinVar:

NM_144573.4(NEXN):c.1955A>G (p.Tyr652Cys)

Gene: NEXN. ClinVar aggregate classification (germline): Conflicting classifications of pathogenicity. Pathogenic (1); Likely pathogenic (1); Uncertain significance (16).

Submissions 9 to 20 of 20:

Laboratory for Molecular Medicine, Mass General Brigham Personalized Medicine
Classification: Uncertain significance. Last evaluated: 2024-01-09. Review status: criteria provided, single submitter. Criteria: ACMG Guidelines, 2015. Collection method: clinical testing. Allele origin: germline.
Comment: The p.Tyr652Cys variant in NEXN has been reported in at least 8 individuals with DCM some of whom also had pathogenic variants in other genes that could explain their phenotype, 1 individual with HCM, 1 individual with sudden cardiac death and 1 individual with noncompaction cardiomyopathy (Hassel 2009 PMID: 19881492, Hertz 2016 PMID: 26383259, Kaluke 2017 PMID: 29253866, Minoche 2019 PMID: 29961767, Van Lint 2019 PMID: 30847666, Murdock 2021 PMID: 34363016, LMM internal data). This variant has also been reported by other clinical laboratories in ClinVar (Variation ID 326) and has been identified in 0.018% (12/68008) of European chromosomes by gnomAD (v.3.1.2). Functional studies in zebrafish embryos resulted in severely dilated hearts and heart biopsies of 2 individuals with DCM who harbored this variant (and did not have a pathogenic variant identified in a cardiomyopathy related gene) show a disrupted sarcomere (Hassel 2009 PMID: 19881492), suggesting that this variant affects protein function. Computational prediction tools and conservation analyses suggest that this variant may impact the protein, though this information is not predictive enough to determine pathogenicity. In summary, while there is some suspicion for a pathogenic role, the clinical significance of this variant is uncertain. ACMG/AMP Criteria applied: PS4_Supporting, PS3_Moderate, PP3.

Ambry Genetics
Classification: Uncertain significance for Cardiovascular phenotype. Last evaluated: 2024-01-04. Review status: criteria provided, single submitter. Criteria: Ambry Variant Classification Scheme 2023. Collection method: clinical testing. Allele origin: germline.
Comment: The p.Y652C variant (also known as c.1955A>G), located in coding exon 12 of the NEXN gene, results from an A to G substitution at nucleotide position 1955. The tyrosine at codon 652 is replaced by cysteine, an amino acid with highly dissimilar properties. This alteration has been reported in individuals from cohorts with dilated cardiomyopathy, non-compaction cardiomyopathy and sudden cardiac death, sometimes in conjunction with variants in other cardiac-related genes (Pugh TJ et al. Genet. Med., 2014 Aug;16:601-8; Hassel D et al. Nat. Med., 2009 Nov;15:1281-8; Klauke B et al. PLoS ONE, 2017 Dec;12:e0189489; Hertz CL et al. Int. J. Legal Med., 2016 Jan;130:91-102; van Lint FHM et al. Neth Heart J. 2019 Jun;27(6):304-309). This variant has also been seen in an exome cohort, but cardiovascular history was not provided (Andreasen C et al. Eur J Hum Genet, 2013 Sep;21:918-28). One functional study indicated that p.Y652C overexpression in zebrafish disrupts sarcomeric units and destabilizes Z-disks, but the clinical relevance of this overexpression study is unclear (Hassel D et al. Nat Med. 2009;15(11):1281-8). This amino acid position is highly conserved in available vertebrate species. In addition, this alteration is predicted to be deleterious by in silico analysis. Since supporting evidence is limited at this time, the clinical significance of this alteration remains unclear.

Mayo Clinic Laboratories, Mayo Clinic
Classification: Uncertain significance. Last evaluated: 2024-01-03. Review status: criteria provided, single submitter. Criteria: ACMG Guidelines, 2015. Collection method: clinical testing. Allele origin: germline. Observed: 1 variant allele.
Comment: PP3, PS3_moderate

Clinical Genetics Laboratory, Skane University Hospital Lund
Classification: Uncertain significance. Last evaluated: 2023-08-17. Review status: criteria provided, single submitter. Criteria: ACMG Guidelines, 2015. Collection method: clinical testing. Allele origin: germline. Affected: yes.

Revvity Omics, Revvity
Classification: Uncertain significance. Last evaluated: 2023-08-14. Review status: criteria provided, single submitter. Criteria: ACMG Guidelines, 2015. Collection method: clinical testing. Allele origin: germline.

Victorian Clinical Genetics Services, Murdoch Childrens Research Institute
Classification: Uncertain significance for Dilated cardiomyopathy 1CC. Last evaluated: 2023-07-17. Review status: criteria provided, single submitter. Criteria: ACMG Guidelines, 2015. Collection method: clinical testing. Allele origin: germline. Inheritance: Autosomal dominant inheritance.
Comment: Based on the classification scheme VCGS_Germline_v1.3.4, this variant is classified as VUS-3B. Following criteria are met: 0105 - The mechanism of disease for this gene is not clearly established. However, functional studies have suggested both dominant negative or loss of function mechanisms (PMID: 19881492, PMID: 20970104, PMID: 32814711). (I) 0107 - This gene is associated with autosomal dominant disease. (I) 0200 - Variant is predicted to result in a missense amino acid change from tyrosine to cysteine. (I) 0251 - This variant is heterozygous. (I) 0302 - Variant is present in gnomAD (v2, v3) <0.001 for a dominant condition (33 heterozygotes, 0 homozygotes). (SP) 0501 - Missense variant consistently predicted to be damaging by multiple in silico tools or highly conserved with a major amino acid change. (SP) 0600 - Variant is located in the annotated immunoglobulin I-set domain (DECIPHER). (I) 0705 - No comparable missense variants have previous evidence for pathogenicity. (I) 0808 - Previous reports of pathogenicity for this variant are conflicting. This variant has been reported as both a VUS, and as likely pathogenic, and observed in at least 10 individuals with dilated cardiomyopathy (DCM), sudden cardiac death or pancardiomyopathy (ClinVar,, PMID: 24503780, PMID: 26383259, PMID: 31028938). An additional two individuals had causative variants in either the TTN or MYH7 genes (PMID: 29253866, PMID: 29961767). Another two individuals had ascending aortic aneurysm and dissection, or a family history of cardiac disease, but no indication of DCM themselves (PMID: 34363016). (I) 0905 - No published segregation evidence has been identified for this variant. (I) 1002 - This variant has moderate functional evidence supporting abnormal protein function. Overexpression of this variant in zebrafish models has proven it causes disruption to sarcomeric units and destabilizes Z-disks (PMID: 19881492). (SP) 1208 - Inheritance information for this variant is not currently available in this individual. (I) Legend: (SP) - Supporting pathogenic, (I) - Information, (SB) - Supporting benign

Baylor Genetics
Classification: Pathogenic for Hypertrophic cardiomyopathy 20. Last evaluated: 2022-10-29. Review status: criteria provided, single submitter. Criteria: ACMG Guidelines, 2015. Collection method: clinical testing. Allele origin: unknown.

CHEO Genetics Diagnostic Laboratory, Children's Hospital of Eastern Ontario
Classification: Uncertain significance for Cardiomyopathy. Last evaluated: 2022-04-20. Review status: criteria provided, single submitter. Criteria: ACMG Guidelines, 2015. Collection method: clinical testing. Allele origin: germline.

Human Genome Sequencing Center Clinical Lab, Baylor College of Medicine
Classification: Likely pathogenic for Dilated cardiomyopathy 1CC. Last evaluated: 2020-06-11. Review status: criteria provided, single submitter. Criteria: ACMG Guidelines, 2015. Collection method: clinical testing. Allele origin: germline.
Comment: The c.1955A>G (p.Tyr652Cys) variant in the exon 13 of NEXN gene has been reported in 3 individuals with dilated cardiomyopathy (DCM) and 1 individual with sudden cardiac death (SCD) and non-diagnostic right ventricular hypertrophy (PMID: 19881492, 24503780, 26383259). This variant is present at a frequency of 22/279940 in the population database gnomAD suggesting that it could exhibit reduced penetrance. Multiple lines of in silico algorithms have predicted the p.Tyr652Cys change to be deleterious. Functional studies showed that expression of this variant in zebrafish destabilizes cardiac Z-disks and leads to a DCM phenotype (PMID: 19881492). Therefore, this c.1955A>G (p.Tyr652Cys) in the NEXN gene is classified as likely pathogenic with possible reduced penetrance.

Baylor Genetics
Classification: Uncertain significance for Dilated cardiomyopathy 1CC. Review status: criteria provided, single submitter. Criteria: ACMG Guidelines, 2015. Collection method: clinical testing. Allele origin: unknown.

Institut für Laboratoriums- und Transfusionsmedizin, Herz- und Diabeteszentrum Nordrhein-Westfalen
Classification: Likely pathogenic for Dilated cardiomyopathy 1S. Last evaluated: 2016-05-01. Review status: no assertion criteria provided. Collection method: research. Allele origin: germline. Affected: yes. Observed: 1 variant allele. Not counted in ClinVar's aggregate classification.

OMIM
Classification: Pathogenic for CARDIOMYOPATHY, DILATED, 1CC. Last evaluated: 2009-11-01. Review status: no assertion criteria provided. Collection method: literature only. Allele origin: germline. Not counted in ClinVar's aggregate classification.

Literature cited by the submitters: PubMed 19881492 (cited by 7 submitters); PubMed 24503780 (cited by 4 submitters); PubMed 29253866 (cited by 5 submitters); PubMed 30847666 (cited by 4 submitters); PubMed 23299917 (cited by 3 submitters); PubMed 34363016 (cited by 4 submitters); PubMed 25741903 (cited by Lildballe Lab, Aarhus University Hospital); PubMed 39481677 (cited by Lildballe Lab, Aarhus University Hospital); PubMed 20970104 (cited by 3 submitters); PubMed 26383259 (cited by 3 submitters); PubMed 29961767 (cited by 3 submitters); PubMed 31028938 (cited by 3 submitters); PubMed 32814711 (cited by Victorian Clinical Genetics Services, Murdoch Childrens Research Institute).